The following is an entry in ClinVar:

ClinVar aggregate classification (germline): Uncertain significance (1 of 4 stars; one submission).

Conditions:
Aortic aneurysm, familial thoracic 4 (AAT4). Also called: AORTIC ANEURYSM/AORTIC DISSECTION AND PATENT DUCTUS ARTERIOSUS. Identifiers: MedGen C1851504, MONDO:0007568, OMIM 132900.

Submission:

Labcorp Genetics (formerly Invitae), Labcorp
Classification: Uncertain significance for Aortic aneurysm, familial thoracic 4. Last evaluated: 2024-02-14. Review status: criteria provided, single submitter. Criteria: Invitae Variant Classification Sherloc (09022015). Collection method: clinical testing. Allele origin: germline.
Comment: This sequence change replaces aspartic acid, which is acidic and polar, with glutamic acid, which is acidic and polar, at codon 1855 of the MYH11 protein (p.Asp1855Glu). This variant is not present in population databases (gnomAD no frequency). This missense change has been observed in individual(s) with aortic dissection (Invitae). Advanced modeling of protein sequence and biophysical properties (such as structural, functional, and spatial information, amino acid conservation, physicochemical variation, residue mobility, and thermodynamic stability) performed at Invitae indicates that this missense variant is not expected to disrupt MYH11 protein function with a negative predictive value of 95%. In summary, the available evidence is currently insufficient to determine the role of this variant in disease. Therefore, it has been classified as a Variant of Uncertain Significance.

NM_002474.3(MYH11):c.5544C>G (p.Asp1848Glu)

Genes: NDE1 (nudE neurodevelopment protein 1; plus strand), MYH11 (myosin heavy chain 11; minus strand). Cytogenetic location: 16p13.11.
Variant type: single nucleotide variant.
Coding change: c.5544C>G on transcript NM_002474.3 (MANE Select); coding-DNA position 5544, C replaced by G.
Protein change: p.Asp1848Glu; replaces aspartic acid 1848 with glutamic acid.
Molecular consequence: missense variant. On other transcripts: intron variant (2).
Genome position (GRCh38, 1-based): chr16:15,715,233, G>C on the plus strand (C>G on the coding strand, the complement: MYH11 is on the minus strand). VCF-style: chr16-15715233-G-C. GRCh37 (hg19) VCF-style: chr16-15809090-G-C.
Other names: c.5565C>G, p.Asp1855Glu (NM_001040113.2, NM_001040114.2); c.5544C>G, p.Asp1848Glu (NM_022844.3); c.948-8958G>C (NM_001143979.2, NM_017668.3); short protein forms D1848E, D1855E.
Identifiers: ClinVar variation 3640968 (VCV003640968.2).